The following is an entry in ClinVar:

ClinVar aggregate classification (germline): Uncertain significance (1 of 4 stars; one submission).
ClinVar aggregate classification (oncogenicity): Uncertain significance (0 of 4 stars; one submission).

Conditions:
Inborn genetic diseases. Identifiers: MedGen C0950123, MeSH D030342.
Chronic myeloid leukemia. Also called: Chronic myelogenous leukemia; Chronic myelogenous leukemia, BCR-ABL1 positive. Identifiers: Orphanet 521, MedGen C0279543, MeSH D015464, MONDO:0011996, OMIM 608232, HP:0005506.

gnomAD v4.1: 3 of 1,605,058 alleles (0.00019%); highest among the groups gnomAD compares: Non-Finnish European, 0.00026%; no homozygotes.

Submissions (2):

Ambry Genetics
Classification: Uncertain significance for Inborn genetic diseases. Last evaluated: 2025-03-14. Review status: criteria provided, single submitter. Criteria: Ambry Variant Classification Scheme 2023. Collection method: clinical testing. Allele origin: germline.
Comment: The p.G659S variant (also known as c.1975G>A), located in coding exon 13 of the ASXL1 gene, results from a G to A substitution at nucleotide position 1975. The glycine at codon 659 is replaced by serine, an amino acid with similar properties. This amino acid position is conserved. In addition, this alteration is predicted to be tolerated by in silico analysis. Based on the available evidence, the clinical significance of this variant remains unclear.

Genomics Lab, University of Education
Classification: Uncertain significance for Chronic Myeloid Leukemia. Last evaluated: 2025-05-22. Review status: no assertion criteria provided. Collection method: research. Allele origin: somatic. Affected: yes.
Comment: This is a missense variant located within the exon 13 hotspot region of the ASXL1 gene. It and occurs at a conserved residue. In silico tools (e.g., PolyPhen-2, SIFT, MutationTaster) predict a damaging effect. According to literature and computational prediction, it may alter protein function, and somatic alterations at this region have been implicated in myeloid malignancies. However, functional validation is limited, and no germline pathogenic evidence has been documented.

Literature cited by the submitters: PubMed 36068610 (cited by Genomics Lab, University of Education).

NM_015338.6(ASXL1):c.1975G>A (p.Gly659Ser)

Gene: ASXL1 (ASXL transcriptional regulator 1; plus strand). Cytogenetic location: 20q11.21.
Variant type: single nucleotide variant.
Coding change: c.1975G>A on transcript NM_015338.6 (MANE Select); coding-DNA position 1975, G replaced by A.
Protein change: p.Gly659Ser; replaces glycine 659 with serine.
Molecular consequence: missense variant.
Genome position (GRCh38, 1-based): chr20:32,434,687, G>A. VCF-style: chr20-32434687-G-A. GRCh37 (hg19) VCF-style: chr20-31022490-G-A.
Other names: c.1792G>A, p.Gly598Ser (NM_001363734.1); short protein forms G659S, G598S.
Identifiers: ClinVar variation 3794437 (VCV003794437.2).